The following is an entry in ClinVar:

ClinVar aggregate classification (germline): Likely pathogenic (1 of 4 stars; one submission).

Conditions:
Glycogen storage disease IXa1. Also called: Glycogen storage disease 8; LIVER GLYCOGENOSIS, X-LINKED, TYPE I; GLYCOGEN STORAGE DISEASE VIII; GSD VIII. Identifiers: Orphanet 264580, MedGen C3694531, MONDO:0010598, OMIM 306000.

Submissions (2):

Labcorp Genetics (formerly Invitae), Labcorp
Classification: Likely pathogenic for Glycogen storage disease IXa1. Last evaluated: 2023-10-31. Review status: criteria provided, single submitter. Criteria: Invitae Variant Classification Sherloc (09022015). Collection method: clinical testing. Allele origin: germline.
Comment: This sequence change affects an acceptor splice site in intron 29 of the PHKA2 gene. It is expected to disrupt RNA splicing. Variants that disrupt the donor or acceptor splice site typically lead to a loss of protein function (PMID: 16199547), and loss-of-function variants in PHKA2 are known to be pathogenic (PMID: 7711737, 10330341). This variant is not present in population databases (gnomAD no frequency). This variant has not been reported in the literature in individuals affected with PHKA2-related conditions. Algorithms developed to predict the effect of sequence changes on RNA splicing suggest that this variant may disrupt the consensus splice site. In summary, the currently available evidence indicates that the variant is pathogenic, but additional data are needed to prove that conclusively. Therefore, this variant has been classified as Likely Pathogenic.

Dr. Peter K. Rogan Lab, Western University
No classification provided (evidence only). Condition: Nonpapillary renal cell carcinoma. Review status: no classification provided. Collection method: in vitro. Allele origin: not applicable. Functional consequence: retained intron. Not counted in ClinVar's aggregate classification.

Literature cited by the submitters: PubMed 16199547 (cited by Labcorp Genetics (formerly Invitae), Labcorp); PubMed 7711737 (cited by Labcorp Genetics (formerly Invitae), Labcorp); PubMed 10330341 (cited by Labcorp Genetics (formerly Invitae), Labcorp).

NM_000292.3(PHKA2):c.3112-2A>G

Gene: PHKA2 (phosphorylase kinase regulatory subunit alpha 2; minus strand). Cytogenetic location: Xp22.13.
Variant type: single nucleotide variant.
Coding change: c.3112-2A>G on transcript NM_000292.3 (MANE Select); the canonical splice acceptor site of the intron before coding-DNA position 3112, A replaced by G.
Molecular consequence: splice acceptor variant.
Genome position (GRCh38, 1-based): chrX:18,897,335, T>C on the plus strand (A>G on the coding strand, the complement: PHKA2 is on the minus strand). VCF-style: chrX-18897335-T-C. GRCh37 (hg19) VCF-style: chrX-18915453-T-C.
Identifiers: ClinVar variation 2751739 (VCV002751739.4), dbSNP rs2518543955, ClinGen allele CA412379502.